The following is an entry in ClinVar:

ClinVar aggregate classification (germline): Pathogenic. Review status: criteria provided, multiple submitters, no conflicts (2 of 4 stars). 2 submissions from 2 submitters: Pathogenic (2). Last evaluated 2018-12-20.

Conditions:
Hereditary cancer-predisposing syndrome. Also called: Hereditary neoplastic syndrome; Neoplastic Syndromes, Hereditary; Hereditary Cancer Syndrome; Tumor predisposition. Identifiers: Orphanet 140162, MedGen C0027672, MeSH D009386, MONDO:0015356.
Hereditary breast ovarian cancer syndrome. Also called: BRCA1- and BRCA2-Associated Hereditary Breast and Ovarian Cancer; Hereditary breast and ovarian cancer syndrome; Hereditary breast and ovarian cancer syndrome (HBOC); Hereditary breast and/or ovarian cancer syndrome; Breast and ovarian cancer; Hereditary breast and ovarian cancer. Identifiers: Orphanet 145, MedGen C0677776, MeSH D061325, MONDO:0003582. Disease mechanism: loss of function.

Submissions (2):

Ambry Genetics
Classification: Pathogenic for Hereditary cancer-predisposing syndrome. Last evaluated: 2018-12-20. Review status: criteria provided, single submitter. Criteria: Ambry Variant Classification Scheme 2023. Collection method: clinical testing. Allele origin: germline.
Comment: The c.1539delA pathogenic mutation, located in coding exon 9 of the BRCA2 gene, results from a deletion of one nucleotide at nucleotide position 1539, causing a translational frameshift with a predicted alternate stop codon (p.E514Rfs*11). This alteration is expected to result in loss of function by premature protein truncation or nonsense-mediated mRNA decay. As such, this alteration is interpreted as a disease-causing mutation.

Labcorp Genetics (formerly Invitae), Labcorp
Classification: Pathogenic for Hereditary breast ovarian cancer syndrome. Last evaluated: 2018-10-06. Review status: criteria provided, single submitter. Criteria: Invitae Variant Classification Sherloc (09022015). Collection method: clinical testing. Allele origin: germline.
Comment: For these reasons, this variant has been classified as Pathogenic. Loss-of-function variants in BRCA2 are known to be pathogenic (PMID: 20104584). This variant has not been reported in the literature in individuals with BRCA2-related disease. This variant is not present in population databases (ExAC no frequency). This sequence change creates a premature translational stop signal (p.Glu514Argfs*11) in the BRCA2 gene. It is expected to result in an absent or disrupted protein product.

Literature cited by the submitters: PubMed 20104584 (cited by Labcorp Genetics (formerly Invitae), Labcorp).

NM_000059.4(BRCA2):c.1539del (p.Glu514fs)

Gene: BRCA2 (BRCA2 DNA repair associated; plus strand). Cytogenetic location: 13q13.1.
Variant type: Deletion.
Coding change: c.1539del on transcript NM_000059.4 (MANE Select); coding-DNA position 1539, one base deleted (A; older notation c.1539delA).
Protein change: p.Glu514fs; shifts the reading frame from glutamic acid 514.
Molecular consequence: frameshift variant.
Genome position (GRCh38, 1-based): chr13:32,333,017, A deleted; the last of 3 consecutive A bases (chr13:32,333,015-32,333,017); deleting any one gives the same sequence. VCF-style (leftmost placement, unchanged base first): chr13-32333014-TA-T. GRCh37 (hg19) VCF-style: chr13-32907151-TA-T.
Other names: c.1539delA (NM_000059.3); short protein forms E514fs.
Identifiers: ClinVar variation 660434 (VCV000660434.9), dbSNP rs1593893158, ClinGen allele CA915946963.
Genomic context (GRCh38, chr13:32,333,014, plus strand): 5'-TCCAGTGGCTTCTTCATTTCAGGGTATCAAAAAGTCTATATTCAGAATAAGAGAATCACC[TA>T]AAGAGACTTTCAATGCAAGTTTTTCAGGTCATATGACTGATCCAAACTTTAAAAAAGAAA-3'